The following is an entry in ClinVar:

NM_001347721.2(DYRK1A):c.1853G>A (p.Arg618Gln)

Gene: DYRK1A (dual specificity tyrosine phosphorylation regulated kinase 1A; plus strand). Cytogenetic location: 21q22.13.
Variant type: single nucleotide variant.
Coding change: c.1853G>A on transcript NM_001347721.2 (MANE Select); coding-DNA position 1853, G replaced by A.
Protein change: p.Arg618Gln; replaces arginine 618 with glutamine.
Molecular consequence: missense variant. On other transcripts: 3 prime UTR variant (2).
Genome position (GRCh38, 1-based): chr21:37,512,119, G>A. VCF-style: chr21-37512119-G-A. GRCh37 (hg19) VCF-style: chr21-38884422-G-A.
Other names: c.1853G>A, p.Arg618Gln (NM_001347722.2, NM_130436.2); c.1766G>A, p.Arg589Gln (NM_001347723.2); c.1880G>A, p.Arg627Gln (NM_001396.5); c.*256G>A (NM_101395.2); c.*165G>A (NM_130438.2); short protein forms R589Q, R618Q, R627Q.
Identifiers: ClinVar variation 1026544 (VCV001026544.10), dbSNP rs761460441, ClinGen allele CA10024121.
Genomic context (GRCh38, chr21:37,512,119, plus strand): 5'-ATCACCATCACCACCACCACCACCATCACCACCACCATGGACAACAAGCCTTGGGTAACC[G>A]GACCAGGCCAAGGGTCTACAATTCTCCAACGAATAGCTCCTCTACCCAAGATTCTATGGA-3'
Protein context (NP_001334650.1, residues 608-628): HHHGQQALGN[Arg618Gln]TRPRVYNSPT

ClinVar aggregate classification (germline): Benign/Likely benign. Review status: criteria provided, multiple submitters, no conflicts (2 of 4 stars). 2 submissions from 2 submitters: Benign (1); Likely benign (1). Last evaluated 2024-10-15.

Conditions:
DYRK1A-related intellectual disability syndrome (MRD7). Also called: Intellectual developmental disorder, autosomal dominant 7; DYRK1A Syndrome. Identifiers: Orphanet 464306, MedGen C5568143, MONDO:0013578, OMIM 614104.

Allele frequency attached by ClinVar (database versions not stated): gnomAD exomes 0.00002; ExAC 0.00003; gnomAD 0.00003.
gnomAD v4.1: 33 of 1,613,916 alleles (0.002%); highest among the groups gnomAD compares: Admixed American, 0.0033%; no homozygotes.

Submissions (2):

Labcorp Genetics (formerly Invitae), Labcorp
Classification: Benign for DYRK1A-related intellectual disability syndrome. Last evaluated: 2024-10-15. Review status: criteria provided, single submitter. Criteria: Invitae Variant Classification Sherloc (09022015). Collection method: clinical testing. Allele origin: germline.

GeneDx
Classification: Likely benign. Last evaluated: 2020-05-26. Review status: criteria provided, single submitter. Criteria: GeneDx Variant Classification Process June 2021. Collection method: clinical testing. Allele origin: germline. Affected: yes.
Comment: See Variant Classification Assertion Criteria.